The following is an entry in ClinVar:

NM_000138.5(FBN1):c.4460A>T (p.Asp1487Val)

Gene: FBN1 (fibrillin 1; minus strand). Cytogenetic location: 15q21.1.
Variant type: single nucleotide variant.
Coding change: c.4460A>T on transcript NM_000138.5 (MANE Select); coding-DNA position 4460, A replaced by T.
Protein change: p.Asp1487Val; replaces aspartic acid 1487 with valine.
Molecular consequence: missense variant.
Genome position (GRCh38, 1-based): chr15:48,468,534, T>A on the plus strand (A>T on the coding strand, the complement: FBN1 is on the minus strand). VCF-style: chr15-48468534-T-A. GRCh37 (hg19) VCF-style: chr15-48760731-T-A.
Other names: c.4460A>T, p.Asp1487Val (NM_001406716.1); short protein forms D1487V.
Identifiers: ClinVar variation 4886212 (VCV004886212.2).

ClinVar aggregate classification (germline): Likely pathogenic (1 of 4 stars; one submission).

Submission:

Dasa
Classification: Likely pathogenic. Last evaluated: 2025-04-21. Review status: criteria provided, single submitter. Criteria: DASA Assertion Criteria. Collection method: clinical testing. Allele origin: germline.
Comment: NM_000138.5(FBN1):c.4460A>T (p.Asp1487Val) is a missense variant that results in the substitution of aspartic acid with valine. The affected residue or protein region has prior evidence supporting clinical relevance. This variant is absent from population databases. Computational evidence supports a deleterious effect. Based on the currently available evidence, this variant is classified as likely pathogenic.